The following is an entry in ClinVar:

NM_001365276.2(TNXB):c.6679C>T (p.Gln2227Ter)

Gene: TNXB (tenascin XB; minus strand). Cytogenetic location: 6p21.33.
Variant type: single nucleotide variant.
Coding change: c.6679C>T on transcript NM_001365276.2 (MANE Select); coding-DNA position 6679, C replaced by T.
Protein change: p.Gln2227Ter; replaces glutamine 2227 with a stop codon.
Molecular consequence: nonsense.
Genome position (GRCh38, 1-based): chr6:32,064,983, G>A on the plus strand (C>T on the coding strand, the complement: TNXB is on the minus strand). VCF-style: chr6-32064983-G-A. GRCh37 (hg19) VCF-style: chr6-32032760-G-A.
Other names: c.7420C>T, p.Gln2474Ter (NM_001428335.1); c.6679C>T, p.Gln2227Ter (NM_019105.8); short protein forms Q2227*, Q2474*.
Identifiers: ClinVar variation 5012927 (VCV005012927.1).
Genomic context (GRCh38, chr6:32,064,983, plus strand): 5'-CCCCATCCTCGTGTCCCGGCACCCGCACCGCCTTGGGCTGCCCGTCCCCATTCTTAAACT[G>A]GACCAAGAAATGGTCAAACTGGCCCTCGGGGACTGTCCAGGAGAGGCTGAGGGAGTCGGA-3'

ClinVar aggregate classification (germline): Pathogenic (1 of 4 stars; one submission).

Conditions:
Ehlers-Danlos syndrome due to tenascin-X deficiency (EDSCLL1). Also called: Ehlers-Danlos syndrome, classic-like, 1; EHLERS-DANLOS SYNDROME, CLASSIC-LIKE; TNXB-Related Classical-Like Ehlers-Danlos Syndrome; EDS DUE TO TNX DEFICIENCY; TNX DEFICIENCY. Identifiers: Orphanet 230839, MedGen C1848029, MONDO:0011670, OMIM 606408.

Submission:

Myriad Genetics, Inc.
Classification: Pathogenic for Ehlers-Danlos syndrome due to tenascin-X deficiency. Last evaluated: 2024-04-19. Review status: criteria provided, single submitter. Criteria: Myriad Autosomal Dominant, Autosomal Recessive and X-Linked Classification Criteria (2023). Collection method: clinical testing. Allele origin: unknown.
Comment: NM_019105.6(TNXB):c.6679C>T(Q2227*) is expected to be pathogenic in the context of classical-like Ehlers-Danlos syndrome, TNXB-related. This variant is predicted to lead to an abnormal or absent protein product due to the creation of a premature termination codon in TNXB, a gene where loss-of-function variants are known to be pathogenic. Please note: this variant was assessed in the context of healthy population screening.